The following is an entry in ClinVar:

ClinVar aggregate classification (germline): Likely benign (1 of 4 stars; one submission).

gnomAD v4.1: 4 of 1,550,974 alleles (0.00026%); highest among the groups gnomAD compares: East Asian, 0.0098%; no homozygotes.

Submission:

CeGaT Center for Human Genetics Tuebingen
Classification: Likely benign. Last evaluated: 2025-01-01. Review status: criteria provided, single submitter. Criteria: CeGaT Center For Human Genetics Tuebingen Variant Classification Criteria Version 2. Collection method: clinical testing. Allele origin: germline. Affected: yes. Observed: 1 variant allele.
Comment: FBRSL1: BP4, BP7

NM_001367871.1(FBRSL1):c.1734G>T (p.Val578=)

Gene: FBRSL1 (fibrosin like 1; plus strand). Cytogenetic location: 12q24.33.
Variant type: single nucleotide variant.
Coding change: c.1734G>T on transcript NM_001367871.1 (MANE Select); coding-DNA position 1734, G replaced by T.
Protein change: p.Val578=; no amino-acid change (valine 578 retained).
Molecular consequence: synonymous variant. On other transcripts: intron variant (1).
Genome position (GRCh38, 1-based): chr12:132,576,831, G>T. VCF-style: chr12-132576831-G-T. GRCh37 (hg19) VCF-style: chr12-133153417-G-T.
Other names: c.1863G>T, p.Val621= (NM_001142641.2); c.1788G>T, p.Val596= (NM_001382739.1); c.1214-4608G>T (NM_001382740.1).
Identifiers: ClinVar variation 3772333 (VCV003772333.13).